The following is an entry in ClinVar:

ClinVar aggregate classification (germline): Likely benign (1 of 4 stars; one submission).

Conditions:
LRRC45-related disorder. Also called: LRRC45-related condition.

gnomAD v4.1: 9 of 1,610,800 alleles (0.00056%); highest among the groups gnomAD compares: Non-Finnish European, 0.00076%; no homozygotes.

Submission:

PreventionGenetics, part of Exact Sciences
Classification: Likely benign for LRRC45-related condition. Last evaluated: 2026-06-07. Review status: criteria provided, single submitter. Criteria: ACMG Guidelines, 2015. Collection method: clinical testing. Allele origin: germline.
Comment: This variant is classified as likely benign based on ACMG/AMP sequence variant interpretation guidelines (Richards et al. 2015 PMID: 25741868, with internal and published modifications).

NM_144999.4(LRRC45):c.903C>G (p.Leu301=)

Gene: LRRC45 (leucine rich repeat containing 45; plus strand). Cytogenetic location: 17q25.3.
Variant type: single nucleotide variant.
Coding change: c.903C>G on transcript NM_144999.4 (MANE Select); coding-DNA position 903, C replaced by G.
Protein change: p.Leu301=; no amino-acid change (leucine 301 retained).
Molecular consequence: synonymous variant.
Genome position (GRCh38, 1-based): chr17:82,027,743, C>G. VCF-style: chr17-82027743-C-G. GRCh37 (hg19) VCF-style: chr17-79985619-C-G.
Identifiers: ClinVar variation 4988678 (VCV004988678.1).
Genomic context (GRCh38, chr17:82,027,743, plus strand): 5'-AGCCCGTGTAGGGCAGCTTCAGGAAGCCCTGAATGAGAGGCACTCCATCATCAACGCTCT[C>G]AAGGCCAAGTAAGTGGGGGGTGGCCTCAGGATACTTCAGAGACGTGCCCACAGGGCAGAG-3'
Protein context (NP_659436.1, residues 291-311): LNERHSIINA[Leu301=]KAKLQMTEAA